The following is an entry in ClinVar:

NM_000059.4(BRCA2):c.8331+782A>G

Gene: BRCA2 (BRCA2 DNA repair associated; plus strand). Cytogenetic location: 13q13.1.
Variant type: single nucleotide variant.
Coding change: c.8331+782A>G on transcript NM_000059.4 (MANE Select); 782 bases into the intron after coding-DNA position 8331, A replaced by G.
Molecular consequence: intron variant.
Genome position (GRCh38, 1-based): chr13:32,364,315, A>G. VCF-style: chr13-32364315-A-G. GRCh37 (hg19) VCF-style: chr13-32938452-A-G.
Other names: IVS 18+782A>G.
Identifiers: ClinVar variation 209781 (VCV000209781.1), dbSNP rs146753854, ClinGen allele CA276749.

ClinVar aggregate classification (germline): Benign (3 of 4 stars; one submission).

Conditions:
Breast-ovarian cancer, familial, susceptibility to, 2 (BROVCA2). Also called: BRCA2 Hereditary Breast and Ovarian Cancer. Identifiers: Orphanet 145, MedGen C2675520, MONDO:0012933, OMIM 612555. Disease mechanism: loss of function.

Allele frequency attached by ClinVar (database versions not stated): gnomAD 0.00122 and 0.00155; TOPMed 0.00153; 1000 Genomes Project 30x 0.00640; 1000 Genomes Project 0.00779.
gnomAD v4.1: 233 of 152,320 alleles (0.15%); highest among the groups gnomAD compares: East Asian, 2.8%; 4 homozygotes.

Submission:

Evidence-based Network for the Interpretation of Germline Mutant Alleles (ENIGMA)
Classification: Benign for Breast-ovarian cancer, familial 2. Last evaluated: 2015-01-12. Review status: reviewed by expert panel. Criteria: ENIGMA BRCA1/2 Classification Criteria (2015). Collection method: curation. Allele origin: germline.
Comment: Class 1 not pathogenic based on frequency >1% in an outbred sampleset. Frequency 0.02448 (Asian), derived from 1000 genomes (2012-04-30).